The following is an entry in ClinVar:

NM_000257.4(MYH7):c.2586G>A (p.Ala862=)

Genes: MYH7 (myosin heavy chain 7; minus strand), LOC126861898 (BRD4-independent group 4 enhancer GRCh37_chr14:23893609-23894808; plus strand). Cytogenetic location: 14q11.2.
Variant type: single nucleotide variant.
Coding change: c.2586G>A on transcript NM_000257.4 (MANE Select); coding-DNA position 2586, G replaced by A.
Protein change: p.Ala862=; no amino-acid change (alanine 862 retained).
Molecular consequence: synonymous variant.
Genome position (GRCh38, 1-based): chr14:23,424,862, C>T on the plus strand (G>A on the coding strand, the complement: MYH7 is on the minus strand). VCF-style: chr14-23424862-C-T. GRCh37 (hg19) VCF-style: chr14-23894071-C-T.
Identifiers: ClinVar variation 923644 (VCV000923644.15), dbSNP rs112677962, ClinGen allele CA033291.
Genomic context (GRCh38, chr14:23,424,862, plus strand): 5'-CTGCAGCAGGGACACCATCTTCTCCTCCAGCTCCTTGCGGCGAGCCTCGGACTTCTCTAG[C>T]GCCTCTTTGAGGCGTGTGAACTCCTCCTTCATGGAGGCCATCTCCTTCTCTCTTTCTGCA-3'
Protein context (NP_000248.2, residues 852-872): MKEEFTRLKE[Ala862=]LEKSEARRKE

ClinVar aggregate classification (germline): Likely benign. Review status: criteria provided, multiple submitters, no conflicts (2 of 4 stars). 5 submissions from 5 submitters: Likely benign (5). Last evaluated 2025-11-26.

Conditions:
Cardiovascular phenotype. Identifiers: MedGen CN230736.
Cardiomyopathy (CMYO). Also called: Cardiomyopathies. Identifiers: Orphanet 167848, MedGen C0878544, MONDO:0004994, HP:0001638. Inheritance: Various modes of inheritance.
Hypertrophic cardiomyopathy. Also called: HYPERTROPHIC MYOCARDIOPATHY. Identifiers: Orphanet 217569, MedGen C0007194, MeSH D002312, MONDO:0005045, HP:0001639.

Allele frequency attached by ClinVar (database versions not stated): gnomAD 0.00001; gnomAD exomes 0.00001 and 0.00002; TOPMed 0.00001; ExAC 0.00002.
gnomAD v4.1: 17 of 1,614,108 alleles (0.0011%); highest among the groups gnomAD compares: South Asian, 0.0055%; no homozygotes.

Submissions (5):

Labcorp Genetics (formerly Invitae), Labcorp
Classification: Likely benign for Hypertrophic cardiomyopathy. Last evaluated: 2025-11-26. Review status: criteria provided, single submitter. Criteria: Invitae Variant Classification Sherloc (09022015). Collection method: clinical testing. Allele origin: germline.

Ambry Genetics
Classification: Likely benign for Cardiovascular phenotype. Last evaluated: 2025-06-10. Review status: criteria provided, single submitter. Criteria: Ambry Variant Classification Scheme 2023. Collection method: clinical testing. Allele origin: germline.

All of Us Research Program, National Institutes of Health
Classification: Likely benign for Cardiomyopathy. Last evaluated: 2024-02-05. Review status: criteria provided, single submitter. Criteria: ACMG Guidelines, 2015. Collection method: clinical testing. Allele origin: germline. Inheritance: Autosomal dominant inheritance. Observed: 4 variant alleles, 4 heterozygotes.
Comment: This study involves interpretation of variants in research participants for the purpose of population health screening. Participant phenotype was not available at the time of variant classification. Additional details can be found in publication PMID: 35346344, PMCID: PMC8962531

CHEO Genetics Diagnostic Laboratory, Children's Hospital of Eastern Ontario
Classification: Likely benign for Cardiomyopathy. Last evaluated: 2019-09-11. Review status: criteria provided, single submitter. Criteria: ACMG Guidelines, 2015. Collection method: clinical testing. Allele origin: germline.

Color Diagnostics, LLC DBA Color Health
Classification: Likely benign for Cardiomyopathy. Last evaluated: 2019-06-10. Review status: criteria provided, single submitter. Criteria: ACMG Guidelines, 2015. Collection method: clinical testing. Allele origin: germline.